The following is an entry in ClinVar:

ClinVar aggregate classification (germline): Likely benign (1 of 4 stars; one submission).

Conditions:
Nephrotic syndrome, type 3 (NPHS3). Also called: NEPHROTIC SYNDROME, EARLY-ONSET, TYPE 3. Identifiers: Orphanet 656, MedGen C1853124, MONDO:0012546, OMIM 610725.

Allele frequency attached by ClinVar (database versions not stated): gnomAD 0.00031 and 0.00072; TOPMed 0.00036; 1000 Genomes Project 0.00200; 1000 Genomes Project 30x 0.00219; gnomAD exomes 0.00237.
gnomAD v4.1: 486 of 313,134 alleles (0.16%); highest among the groups gnomAD compares: South Asian, 1.1%; 5 homozygotes.

Submission:

Illumina Laboratory Services, Illumina
Classification: Likely benign for Nephrotic syndrome, type 3. Last evaluated: 2018-01-12. Review status: criteria provided, single submitter. Criteria: ICSL Variant Classification Criteria 13 December 2019. Collection method: clinical testing. Allele origin: germline.
Comment: This variant was observed in the ICSL laboratory as part of a predisposition screen in an ostensibly healthy population. It had not been previously curated by ICSL or reported in the Human Gene Mutation Database (HGMD: prior to June 1st, 2018), and was therefore a candidate for classification through an automated scoring system. Utilizing variant allele frequency, disease prevalence and penetrance estimates, and inheritance mode, an automated score was calculated to assess if this variant is too frequent to cause the disease. Based on the score and internal cut-off values, a variant classified as likely benign is not then subjected to further curation. The score for this variant resulted in a classification of likely benign for this disease.

NM_016341.4(PLCE1):c.*268T>C

Genes: PLCE1 (phospholipase C epsilon 1; plus strand), NOC3L (NOC3 like DNA replication regulator; minus strand). Cytogenetic location: 10q23.33.
Variant type: single nucleotide variant.
Coding change: c.*268T>C on transcript NM_016341.4 (MANE Select); 268 bases downstream of the stop codon, T replaced by C.
Molecular consequence: 3 prime UTR variant.
Genome position (GRCh38, 1-based): chr10:94,328,211, T>C. VCF-style: chr10-94328211-T-C. GRCh37 (hg19) VCF-style: chr10-96087968-T-C.
Other names: c.*268T>C (NM_001165979.2, NM_001288989.2).
Identifiers: ClinVar variation 301741 (VCV000301741.5), dbSNP rs146319051, ClinGen allele CA10629522.